The following is an entry in ClinVar:

ClinVar aggregate classification (germline): Pathogenic/Likely pathogenic. Review status: criteria provided, multiple submitters, no conflicts (2 of 4 stars). 9 submissions from 9 submitters: Pathogenic (8); Likely pathogenic (1). Last evaluated 2026-08-27.

Conditions:
Epidermolysis bullosa dystrophica. Also called: Dystrophic epidermolysis bullosa, Hallopeau-Siemens type (formerly); Dystrophic epidermolysis bullosa. Identifiers: Orphanet 303, MedGen C0079294, MONDO:0006543.
COL7A1-related disorder. Also called: COL7A1-related condition; COL7A1- related disorders.
Recessive dystrophic epidermolysis bullosa (RDEB). Also called: severe generalized recessive dystrophic epidermolysis bullosa; Hallopeau-Siemens Disease; EPIDERMOLYSIS BULLOSA DYSTROPHICA, GENERALIZED SEVERE, AUTOSOMAL RECESSIVE; DYSTROPHIC EPIDERMOLYSIS BULLOSA, AUTOSOMAL RECESSIVE; EPIDERMOLYSIS BULLOSA DYSTROPHICA, HALLOPEAU-SIEMENS TYPE; Epidermolysis Bullosa Distrophica Autosomal Recessive (RDEB). Identifiers: Orphanet 79408, Orphanet 79409, MedGen C0079474, MONDO:0009179, OMIM 226600.

Allele frequency attached by ClinVar (database versions not stated): TOPMed 0.00001; gnomAD 0.00003.

Submissions (10):

Department of Molecular Genetics, Istishari Arab Hospital
Classification: Pathogenic for Recessive dystrophic epidermolysis bullosa. Last evaluated: 2026-08-27. Review status: criteria provided, single submitter. Criteria: ACMG Guidelines, 2015. Collection method: clinical testing. Allele origin: germline. Inheritance: Autosomal recessive inheritance. Affected: yes.
Comment: The COL7A1 c.682+1G>A variant affects the canonical splice-donor site of intron 6 and is expected to disrupt normal pre-mRNA splicing, resulting in loss of normal protein function. Loss-of-function variants are an established disease mechanism for autosomal recessive dystrophic epidermolysis bullosa. The variant is present at a very low frequency in gnomAD v4.1 and has been reported in the homozygous or compound-heterozygous state in multiple individuals affected with autosomal recessive dystrophic epidermolysis bullosa (PMID: 9326325, 18951764, 22266148, and 35979658). Based on the available evidence, the variant is classified as pathogenic according to ACMG/AMP and ClinGen SVI guidelines.

Department of Human Genetics, Hannover Medical School
Classification: Pathogenic for Recessive dystrophic epidermolysis bullosa. Last evaluated: 2026-07-29. Review status: criteria provided, single submitter. Criteria: ACMG Guidelines, 2015. Collection method: clinical testing. Allele origin: germline. Inheritance: Autosomal recessive inheritance. Affected: yes.
Comment: ACMG/ClinGen SVC: PVS1(RNA), PM2_Supporting, PM3, PP1_Moderate, PP4_Strong (PMID:18951764, 19643583, 29242947, 29334134)

3billion
Classification: Pathogenic for COL7A1-related disorder. Last evaluated: 2025-09-08. Review status: criteria provided, single submitter. Criteria: ACMG Guidelines, 2015. Collection method: clinical testing. Allele origin: germline. Affected: yes.
Comment: The variant is observed at an extremely low frequency in the gnomAD v4.1.0 dataset (total allele frequency: 0.001%). Predicted Consequence/Location: Canonical splice site: predicted to alter splicing and result in a loss or disruption of normal protein function. Multiple pathogenic loss-of-function variants are reported downstream of the variant. In silico tools predict the variant to alter splicing and produce an abnormal transcript [SpliceAI: 0.93 (spliceogenicity >=0.2, non-spliceogenicity <0.1)]. The variant has been reported at least twice as pathogenic with clinical assertions and evidence for the classification (ClinVar ID: VCV000372329 /PMID: 9326325). Therefore, this variant is classified as Pathogenic according to the recommendation of ACMG/AMP guideline.

Natera, Inc.
Classification: Pathogenic for Dystrophic epidermolysis bullosa. Last evaluated: 2025-01-20. Review status: criteria provided, single submitter. Criteria: Natera Variant Classification Schema (03/2026). Collection method: clinical testing. Allele origin: germline.
Comment: The c.682+1G>A variant in COL7A1 is a canonical splice donor site variant predicted to affect pre-mRNA splicing, which may result in an abnormal transcript and altered protein product. This variant may result in a truncated or dysfunctional protein product. This variant is rare in the general population with a frequency below the threshold expected for the associated phenotype(s). This variant has been observed in one or more individuals affected with the associated recessive disease, as either homozygous or compound heterozygous with a second variant (PMID: 22266148). Given the available evidence, this variant is classified as Pathogenic.

Labcorp Genetics (formerly Invitae), Labcorp
Classification: Pathogenic. Last evaluated: 2024-05-29. Review status: criteria provided, single submitter. Criteria: Invitae Variant Classification Sherloc (09022015). Collection method: clinical testing. Allele origin: germline.
Comment: This sequence change affects a donor splice site in intron 5 of the COL7A1 gene. It is expected to disrupt RNA splicing. Variants that disrupt the donor or acceptor splice site typically lead to a loss of protein function (PMID: 16199547), and loss-of-function variants in COL7A1 are known to be pathogenic (PMID: 16971478). This variant is present in population databases (no rsID available, gnomAD 0.004%). Disruption of this splice site has been observed in individuals with epidermolysis bullosa (PMID: 9326325, 11000732, 18951764, 19643583, 22266148). ClinVar contains an entry for this variant (Variation ID: 372329). Algorithms developed to predict the effect of sequence changes on RNA splicing suggest that this variant may disrupt the consensus splice site. For these reasons, this variant has been classified as Pathogenic.

Blueprint Genetics
Classification: Pathogenic for COL7A1-related disorders. Last evaluated: 2023-09-21. Review status: criteria provided, single submitter. Criteria: ACMG Guidelines, 2015. Collection method: clinical testing. Allele origin: germline. Affected: yes. Observed: 3 variant alleles.

Center for Research in Genodermatoses and Epidermolysis Bullosa, University of Buenos Aires
Classification: Pathogenic for Recessive dystrophic epidermolysis bullosa. Last evaluated: 2022-03-14. Review status: criteria provided, single submitter. Criteria: ACMG Guidelines, 2015. Collection method: clinical testing. Allele origin: germline. Affected: yes. Observed: 9 variant alleles, 7 compound heterozygotes, 2 homozygotes.

GeneDx
Classification: Pathogenic. Last evaluated: 2022-01-27. Review status: criteria provided, single submitter. Criteria: GeneDx Variant Classification Process June 2021. Collection method: clinical testing. Allele origin: germline. Affected: yes.
Comment: Canonical splice site variant in a gene for which loss-of-function is a known mechanism of disease; This variant is associated with the following publications: (PMID: 22266148, 21448560, 19643583, 29753700, 11000732, 16971478, 29625052, 16439963, 16484981, 12485454, 19681861, 20598510, 9326325, 18951764, 34046686, 33274474)

Genomic Research Center, Shahid Beheshti University of Medical Sciences
Classification: Likely pathogenic for Recessive dystrophic epidermolysis bullosa. Last evaluated: 2017-06-18. Review status: criteria provided, single submitter. Criteria: ACMG Guidelines, 2015. Collection method: clinical testing. Allele origin: inherited. Affected: yes. Observed: 1 variant allele.

Dr. Peter K. Rogan Lab, Western University
No classification provided (evidence only). Condition: Malignant tumor of esophagus. Review status: no classification provided. Collection method: in vitro. Allele origin: not applicable. Functional consequence: retained intron. Not counted in ClinVar's aggregate classification.

Literature cited by the submitters: PubMed 9326325 (cited by 4 submitters); PubMed 18951764 (cited by Department of Molecular Genetics, Istishari Arab Hospital and Labcorp Genetics (formerly Invitae), Labcorp); PubMed 22266148 (cited by 3 submitters); PubMed 35979658 (cited by Department of Molecular Genetics, Istishari Arab Hospital and Center for Research in Genodermatoses and Epidermolysis Bullosa, University of Buenos Aires); PubMed 16199547 (cited by Labcorp Genetics (formerly Invitae), Labcorp); PubMed 16971478 (cited by Labcorp Genetics (formerly Invitae), Labcorp); PubMed 11000732 (cited by Labcorp Genetics (formerly Invitae), Labcorp); PubMed 19643583 (cited by Labcorp Genetics (formerly Invitae), Labcorp).

NM_000094.4(COL7A1):c.682+1G>A

Gene: COL7A1 (collagen type VII alpha 1 chain; minus strand). Cytogenetic location: 3p21.31.
Variant type: single nucleotide variant.
Coding change: c.682+1G>A on transcript NM_000094.4 (MANE Select); the canonical splice donor site of the intron after coding-DNA position 682, G replaced by A.
Molecular consequence: splice donor variant.
Genome position (GRCh38, 1-based): chr3:48,593,101, C>T on the plus strand (G>A on the coding strand, the complement: COL7A1 is on the minus strand). VCF-style: chr3-48593101-C-T. GRCh37 (hg19) VCF-style: chr3-48630534-C-T.
Identifiers: ClinVar variation 372329 (VCV000372329.43), dbSNP rs775288140, ClinGen allele CA16042478.